The following is an entry in ClinVar:

NM_015378.4(VPS13D):c.9054A>G (p.Ile3018Met)

Gene: VPS13D (vacuolar protein sorting 13 homolog D; plus strand). Cytogenetic location: 1p36.22.
Variant type: single nucleotide variant.
Coding change: c.9054A>G on transcript NM_015378.4 (MANE Select); coding-DNA position 9054, A replaced by G.
Protein change: p.Ile3018Met; replaces isoleucine 3018 with methionine.
Molecular consequence: missense variant.
Genome position (GRCh38, 1-based): chr1:12,346,637, A>G. VCF-style: chr1-12346637-A-G. GRCh37 (hg19) VCF-style: chr1-12406694-A-G.
Other names: c.8979A>G, p.Ile2993Met (NM_018156.4); short protein forms I2993M, I3018M.
Identifiers: ClinVar variation 4698930 (VCV004698930.1).
Genomic context (GRCh38, chr1:12,346,637, plus strand): 5'-TGACTCTAACTTTTGAAATCTTTTTCAGATTGGCAGCCCAAGCAGCAGAACAAATATTAT[A>G]CATCCCCAGGTTTATGTAAGTATGATTTTCCTGTTGTCATTGTGTTTATTGCGTATATAC-3'
Protein context (NP_056193.2, residues 3008-3028): IGSPSSRTNI[Ile3018Met]HPQVYFSSLP

ClinVar aggregate classification (germline): Uncertain significance (1 of 4 stars; one submission).

Submission:

Labcorp Genetics (formerly Invitae), Labcorp
Classification: Uncertain significance. Last evaluated: 2025-10-26. Review status: criteria provided, single submitter. Criteria: Invitae Variant Classification Sherloc (09022015). Collection method: clinical testing. Allele origin: germline.
Comment: This sequence change replaces isoleucine, which is neutral and non-polar, with methionine, which is neutral and non-polar, at codon 3018 of the VPS13D protein (p.Ile3018Met). This variant is not present in population databases (gnomAD no frequency). This variant has not been reported in the literature in individuals affected with VPS13D-related conditions. Invitae Evidence Modeling of protein sequence and biophysical properties (such as structural, functional, and spatial information, amino acid conservation, physicochemical variation, residue mobility, and thermodynamic stability) indicates that this missense variant is expected to disrupt VPS13D protein function with a positive predictive value of 80%. In summary, the available evidence is currently insufficient to determine the role of this variant in disease. Therefore, it has been classified as a Variant of Uncertain Significance.